The following is an entry in ClinVar:

NM_022114.4(PRDM16):c.1965C>A (p.Pro655=)

Gene: PRDM16 (PR/SET domain 16; plus strand). Cytogenetic location: 1p36.32.
Variant type: single nucleotide variant.
Coding change: c.1965C>A on transcript NM_022114.4 (MANE Select); coding-DNA position 1965, C replaced by A.
Protein change: p.Pro655=; no amino-acid change (proline 655 retained).
Molecular consequence: synonymous variant.
Genome position (GRCh38, 1-based): chr1:3,412,162, C>A. VCF-style: chr1-3412162-C-A. GRCh37 (hg19) VCF-style: chr1-3328726-C-A.
Other names: c.1965C>A, p.Pro655= (NM_199454.3).
Identifiers: ClinVar variation 391905 (VCV000391905.1), dbSNP rs1057524280, ClinGen allele CA16603623.

ClinVar aggregate classification (germline): Likely benign (1 of 4 stars; one submission).

Submission:

GeneDx
Classification: Likely benign. Last evaluated: 2016-12-19. Review status: criteria provided, single submitter. Criteria: GeneDx Variant Classification (06012015). Collection method: clinical testing. Allele origin: germline. Affected: yes.
Comment: This variant is considered likely benign or benign based on one or more of the following criteria: it is a conservative change, it occurs at a poorly conserved position in the protein, it is predicted to be benign by multiple in silico algorithms, and/or has population frequency not consistent with disease.